The following is an entry in ClinVar:

ClinVar aggregate classification (germline): Likely pathogenic (1 of 4 stars; one submission).

Conditions:
EEF1A2-related disorder. Also called: EEF1A2-related condition; EEF1A2-related disorders.

Submission:

Rady Children's Institute for Genomic Medicine, Rady Children's Hospital San Diego
Classification: Likely pathogenic for EEF1A2-related disorders. Last evaluated: 2020-02-14. Review status: criteria provided, single submitter. Criteria: ACMG Guidelines, 2015. Collection method: clinical testing. Allele origin: germline. Affected: yes.
Comment: This variant has not been previously reported or functionally characterized in the literature to our knowledge. It is absent from the ExAC and gnomAD population databases and thus is presumed to be rare. The c.285C>A (p.His95Gln) variant affects a highly conserved amino acid and is predicted by multiple in silico tools to have a deleterious effect on protein function. Analysis of the parental samples was negative for the variant, indicating this variant likely occurred as a de novo event. Based on the available evidence, the c.285C>A (p.His95Gln) variant is classified as Likely Pathogenic.

NM_001958.5(EEF1A2):c.285C>A (p.His95Gln)

Gene: EEF1A2 (eukaryotic translation elongation factor 1 alpha 2; minus strand). Cytogenetic location: 20q13.33.
Variant type: single nucleotide variant.
Coding change: c.285C>A on transcript NM_001958.5 (MANE Select); coding-DNA position 285, C replaced by A.
Protein change: p.His95Gln; replaces histidine 95 with glutamine.
Molecular consequence: missense variant.
Genome position (GRCh38, 1-based): chr20:63,495,895, G>T on the plus strand (C>A on the coding strand, the complement: EEF1A2 is on the minus strand). VCF-style: chr20-63495895-G-T. GRCh37 (hg19) VCF-style: chr20-62127248-G-T.
Other names: short protein forms H95Q.
Identifiers: ClinVar variation 984947 (VCV000984947.1), dbSNP rs1600908420, ClinGen allele CA409651331.
Genomic context (GRCh38, chr20:63,495,895, plus strand): 5'-CGCCTGCTGTGCCCTGCTCACCTGGGATGTACCCGTGATCATGTTCTTGATGAAGTCGCG[G>T]TGGCCGGGGGCATCGATGATGGTGATGTAGTACTTGGTGGTCTCGAACTTCCAGAGGGAG-3'
Protein context (NP_001949.1, residues 85-105): YYITIIDAPG[His95Gln]RDFIKNMITG